The following is an entry in ClinVar:

ClinVar aggregate classification (germline): Uncertain significance. Review status: criteria provided, multiple submitters, no conflicts (2 of 4 stars). 2 submissions from 2 submitters: Uncertain significance (2). Last evaluated 2026-03-11.

Conditions:
GLUT1 deficiency syndrome 1, autosomal recessive. Identifiers: MedGen C3149117.

Submissions (2):

GeneDx
Classification: Uncertain significance. Last evaluated: 2026-03-11. Review status: criteria provided, single submitter. Criteria: GeneDx Variant Classification Process June 2021. Collection method: clinical testing. Allele origin: germline.
Comment: Not observed at significant frequency in large population cohorts (gnomAD); In silico analysis supports a deleterious effect on splicing; Has not been previously published as pathogenic or benign to our knowledge

Labcorp Genetics (formerly Invitae), Labcorp
Classification: Uncertain significance for GLUT1 deficiency syndrome 1, autosomal recessive. Last evaluated: 2025-10-20. Review status: criteria provided, single submitter. Criteria: Invitae Variant Classification Sherloc (09022015). Collection method: clinical testing. Allele origin: germline.
Comment: This sequence change falls in intron 3 of the SLC2A1 gene. It does not directly change the encoded amino acid sequence of the SLC2A1 protein. This variant is not present in population databases (gnomAD no frequency). This variant has not been reported in the literature in individuals affected with SLC2A1-related conditions. Algorithms developed to predict the effect of sequence changes on RNA splicing suggest that this variant may disrupt the consensus splice site. In summary, the available evidence is currently insufficient to determine the role of this variant in disease. Therefore, it has been classified as a Variant of Uncertain Significance.

NM_006516.4(SLC2A1):c.276-8_276-3del

Gene: SLC2A1 (solute carrier family 2 member 1; minus strand). Cytogenetic location: 1p34.2.
Variant type: Deletion.
Coding change: c.276-8_276-3del on transcript NM_006516.4 (MANE Select); 8 bases into the intron before coding-DNA position 276 through 3 bases into the intron before coding-DNA position 276, 6 bases deleted (GTCCCC; older notation c.276-8_276-3delGTCCCC).
Molecular consequence: intron variant.
Genome position (GRCh38, 1-based): chr1:42,930,869-42,930,874, GGGGAC deleted on the plus strand (GTCCCC on the coding strand, the reverse complement: SLC2A1 is on the minus strand); deleting any 6 consecutive bases within chr1:42,930,869-42,930,878 gives the same sequence; the c. name uses the placement nearest the transcript's 3' end. VCF-style (leftmost placement, unchanged base first): chr1-42930868-TGGGGAC-T. GRCh37 (hg19) VCF-style: chr1-43396539-TGGGGAC-T.
Identifiers: ClinVar variation 4729544 (VCV004729544.2).
Genomic context (GRCh38, chr1:42,930,868, plus strand): 5'-AGCCCATGAGCACGGCGGACACGAAGGCCAGCAGGTTCATCATCAGCATTGAATTCCGCC[TGGGGAC>T]GGGGTCACAGGTCAGGCCAGTGCCCACATTCCTTGGGCTCCGAGGGGCTGGGTCAGAGGT-3'